The following is an entry in ClinVar:

NM_005732.4(RAD50):c.3258T>G (p.Ile1086Met)

Gene: RAD50 (RAD50 double strand break repair protein; plus strand). Cytogenetic location: 5q31.1.
Variant type: single nucleotide variant.
Coding change: c.3258T>G on transcript NM_005732.4 (MANE Select); coding-DNA position 3258, T replaced by G.
Protein change: p.Ile1086Met; replaces isoleucine 1086 with methionine.
Molecular consequence: missense variant.
Genome position (GRCh38, 1-based): chr5:132,618,163, T>G. VCF-style: chr5-132618163-T-G. GRCh37 (hg19) VCF-style: chr5-131953855-T-G.
Other names: short protein forms I1086M.
Identifiers: ClinVar variation 2699469 (VCV002699469.3), dbSNP rs2479388506, ClinGen allele CA360964550.

ClinVar aggregate classification (germline): Uncertain significance (1 of 4 stars; one submission).

Conditions:
Hereditary cancer-predisposing syndrome. Also called: Neoplastic Syndromes, Hereditary; Tumor predisposition; Hereditary neoplastic syndrome; Hereditary Cancer Syndrome. Identifiers: Orphanet 140162, MedGen C0027672, MeSH D009386, MONDO:0015356.

Submission:

Labcorp Genetics (formerly Invitae), Labcorp
Classification: Uncertain significance for Hereditary cancer-predisposing syndrome. Last evaluated: 2023-06-09. Review status: criteria provided, single submitter. Criteria: Invitae Variant Classification Sherloc (09022015). Collection method: clinical testing. Allele origin: germline.
Comment: In summary, the available evidence is currently insufficient to determine the role of this variant in disease. Therefore, it has been classified as a Variant of Uncertain Significance. Advanced modeling of protein sequence and biophysical properties (such as structural, functional, and spatial information, amino acid conservation, physicochemical variation, residue mobility, and thermodynamic stability) performed at Invitae indicates that this missense variant is not expected to disrupt RAD50 protein function. This variant has not been reported in the literature in individuals affected with RAD50-related conditions. This variant is not present in population databases (gnomAD no frequency). This sequence change replaces isoleucine, which is neutral and non-polar, with methionine, which is neutral and non-polar, at codon 1086 of the RAD50 protein (p.Ile1086Met).